The following is an entry in ClinVar:

NM_024675.4(PALB2):c.2296T>C (p.Ser766Pro)

Gene: PALB2 (partner and localizer of BRCA2; minus strand). Cytogenetic location: 16p12.2.
Variant type: single nucleotide variant.
Coding change: c.2296T>C on transcript NM_024675.4 (MANE Select); coding-DNA position 2296, T replaced by C.
Protein change: p.Ser766Pro; replaces serine 766 with proline.
Molecular consequence: missense variant.
Genome position (GRCh38, 1-based): chr16:23,629,858, A>G on the plus strand (T>C on the coding strand, the complement: PALB2 is on the minus strand). VCF-style: chr16-23629858-A-G. GRCh37 (hg19) VCF-style: chr16-23641179-A-G.
Other names: short protein forms S766P.
Identifiers: ClinVar variation 821020 (VCV000821020.15), dbSNP rs1597089461, ClinGen allele CA395125290.

ClinVar aggregate classification (germline): Uncertain significance. Review status: criteria provided, multiple submitters, no conflicts (2 of 4 stars). 3 submissions from 3 submitters: Uncertain significance (3). Last evaluated 2025-05-13.

Conditions:
Hereditary cancer-predisposing syndrome. Also called: Neoplastic Syndromes, Hereditary; Tumor predisposition; Hereditary Cancer Syndrome; Hereditary neoplastic syndrome. Identifiers: Orphanet 140162, MedGen C0027672, MeSH D009386, MONDO:0015356.
Familial cancer of breast. Also called: BREAST CANCER, FAMILIAL; Hereditary breast cancer; hereditary breast carcinoma. Identifiers: Orphanet 227535, MedGen C0346153, MONDO:0016419, OMIM 114480. Disease mechanism: loss of function.

Allele frequency attached by ClinVar (database versions not stated): gnomAD exomes below 0.00001.
gnomAD v4.1: 2 of 1,614,170 alleles (0.00012%); highest among the groups gnomAD compares: Non-Finnish European, 0.00017%; no homozygotes.

Submissions (3):

Labcorp Genetics (formerly Invitae), Labcorp
Classification: Uncertain significance for Familial cancer of breast. Last evaluated: 2025-05-13. Review status: criteria provided, single submitter. Criteria: Invitae Variant Classification Sherloc (09022015). Collection method: clinical testing. Allele origin: germline.
Comment: This sequence change replaces serine, which is neutral and polar, with proline, which is neutral and non-polar, at codon 766 of the PALB2 protein (p.Ser766Pro). This variant is not present in population databases (gnomAD no frequency). This variant has not been reported in the literature in individuals affected with PALB2-related conditions. ClinVar contains an entry for this variant (Variation ID: 821020). Invitae Evidence Modeling of protein sequence and biophysical properties (such as structural, functional, and spatial information, amino acid conservation, physicochemical variation, residue mobility, and thermodynamic stability) indicates that this missense variant is not expected to disrupt PALB2 protein function with a negative predictive value of 80%. In summary, the available evidence is currently insufficient to determine the role of this variant in disease. Therefore, it has been classified as a Variant of Uncertain Significance.

Ambry Genetics
Classification: Uncertain significance for Hereditary cancer-predisposing syndrome. Last evaluated: 2024-12-22. Review status: criteria provided, single submitter. Criteria: Ambry Variant Classification Scheme 2023. Collection method: clinical testing. Allele origin: germline.
Comment: The p.S766P variant (also known as c.2296T>C), located in coding exon 5 of the PALB2 gene, results from a T to C substitution at nucleotide position 2296. The serine at codon 766 is replaced by proline, an amino acid with similar properties. This amino acid position is poorly conserved in available vertebrate species. In addition, this alteration is predicted to be tolerated by in silico analysis. Since supporting evidence is limited at this time, the clinical significance of this alteration remains unclear.

Color Diagnostics, LLC DBA Color Health
Classification: Uncertain significance for Hereditary cancer-predisposing syndrome. Last evaluated: 2024-02-20. Review status: criteria provided, single submitter. Criteria: ACMG Guidelines, 2015. Collection method: clinical testing. Allele origin: germline.
Comment: This missense variant replaces serine with proline at codon 766 of the PALB2 protein. Computational prediction suggests that this variant may not impact protein structure and function. To our knowledge, functional studies have not been reported for this variant. This variant has not been reported in individuals affected with PALB2-related disorders in the literature. This variant has not been identified in the general population by the Genome Aggregation Database (gnomAD). The available evidence is insufficient to determine the role of this variant in disease conclusively. Therefore, this variant is classified as a Variant of Uncertain Significance.